The following is an entry in ClinVar:

ClinVar aggregate classification (germline): Pathogenic (1 of 4 stars; one submission).

Conditions:
Early-infantile DEE. Also called: Early infantile epileptic encephalopathy; Ohtahara syndrome; Early infantile epileptic encephalopathy with suppression bursts. Identifiers: Orphanet 1934, MedGen C0393706, MONDO:0800491.

Submission:

Labcorp Genetics (formerly Invitae), Labcorp
Classification: Pathogenic for Early-infantile DEE. Last evaluated: 2022-09-16. Review status: criteria provided, single submitter. Criteria: Invitae Variant Classification Sherloc (09022015). Collection method: clinical testing. Allele origin: germline.
Comment: This variant has not been reported in the literature in individuals affected with SCN1A-related conditions. This variant is not present in population databases (gnomAD no frequency). This sequence change creates a premature translational stop signal (p.Glu328*) in the SCN1A gene. It is expected to result in an absent or disrupted protein product. Loss-of-function variants in SCN1A are known to be pathogenic (PMID: 17347258, 18930999). For these reasons, this variant has been classified as Pathogenic. Algorithms developed to predict the effect of sequence changes on RNA splicing suggest that this variant may create or strengthen a splice site.

Literature cited by the submitters: PubMed 17347258; PubMed 18930999.

NM_001165963.4(SCN1A):c.982G>T (p.Glu328Ter)

Gene: SCN1A (sodium voltage-gated channel alpha subunit 1; minus strand). Cytogenetic location: 2q24.3.
Variant type: single nucleotide variant.
Coding change: c.982G>T on transcript NM_001165963.4 (MANE Select); coding-DNA position 982, G replaced by T.
Protein change: p.Glu328Ter; replaces glutamic acid 328 with a stop codon.
Molecular consequence: nonsense. On other transcripts: 5 prime UTR variant (1), non-coding transcript variant (1).
Genome position (GRCh38, 1-based): chr2:166,048,932, C>A on the plus strand (G>T on the coding strand, the complement: SCN1A is on the minus strand). VCF-style: chr2-166048932-C-A. GRCh37 (hg19) VCF-style: chr2-166905442-C-A.
Other names: c.982G>T, p.Glu328Ter (NM_001353948.2, NM_001353949.2, NM_001353950.2 and 10 more transcripts); c.-1444G>T (NM_001353961.2); short protein forms E328*.
Identifiers: ClinVar variation 2010212 (VCV002010212.4), dbSNP rs1553548181, ClinGen allele CA349071715.